The following is an entry in ClinVar:

NM_001032283.3(TMPO):c.187C>T (p.Pro63Ser)

Genes: TMPO (thymopoietin; plus strand), TMPO-AS1 (TMPO antisense RNA 1; minus strand). Cytogenetic location: 12q23.1.
Variant type: single nucleotide variant.
Coding change: c.187C>T on transcript NM_001032283.3 (MANE Select); coding-DNA position 187, C replaced by T.
Protein change: p.Pro63Ser; replaces proline 63 with serine.
Molecular consequence: missense variant. On other transcripts: non-coding transcript variant (1).
Genome position (GRCh38, 1-based): chr12:98,516,054, C>T. VCF-style: chr12-98516054-C-T. GRCh37 (hg19) VCF-style: chr12-98909832-C-T.
Other names: c.187C>T, p.Pro63Ser (NM_001032284.3, NM_001307975.2, NM_003276.2); short protein forms P63S.
Identifiers: ClinVar variation 424504 (VCV000424504.2), dbSNP rs1064797006, ClinGen allele CA16619605.

ClinVar aggregate classification (germline): Uncertain significance (1 of 4 stars; one submission).

Submission:

GeneDx
Classification: Uncertain significance. Last evaluated: 2017-04-03. Review status: criteria provided, single submitter. Criteria: GeneDx Variant Classification (06012015). Collection method: clinical testing. Allele origin: germline. Affected: yes.
Comment: A variant of uncertain significance has been identified in the TMPO gene. The P63S variant has not been published as pathogenic or been reported as benign to our knowledge. This variant is not observed in large population cohorts (Lek et al., 2016; 1000 Genomes Consortium et al., 2015; Exome Variant Server). The P63S variant is a non-conservative amino acid substitution, which is likely to impact secondary protein structure as these residues differ in polarity, charge, size and/or other properties. In silico analysis predicts this variant is probably damaging to the protein structure/function. However, this substitution occurs at a position that is only conserved in mammals.